The following is an entry in ClinVar:

NM_000552.5(VWF):c.6539dup (p.Tyr2180Ter)

Gene: VWF (von Willebrand factor; minus strand). Cytogenetic location: 12p13.31.
Variant type: Duplication.
Coding change: c.6539dup on transcript NM_000552.5 (MANE Select); coding-DNA position 6539, one base duplicated (A; older notation c.6539dupA).
Protein change: p.Tyr2180Ter; replaces tyrosine 2180 with a stop codon.
Molecular consequence: nonsense.
Genome position (GRCh38, 1-based): chr12:5,993,921, T duplicated on the plus strand (A on the coding strand, the reverse complement: VWF is on the minus strand). VCF-style (leftmost placement, unchanged base first): chr12-5993920-A-AT. GRCh37 (hg19) VCF-style: chr12-6103086-A-AT.
Other names: c.6539dupA (NM_000552.5); short protein forms Y2180*.
Identifiers: ClinVar variation 3384878 (VCV003384878.1).

ClinVar aggregate classification (germline): Pathogenic (1 of 4 stars; one submission).

Conditions:
von Willebrand disorder (VWD). Also called: von Willebrand Diseases; Von Willebrand disease (hereditary or acquired); von Willebrand's disease. Identifiers: MedGen C0042974, MeSH D014842, MONDO:0024574.

Submission:

Women's Health and Genetics/Laboratory Corporation of America, LabCorp
Classification: Pathogenic for von Willebrand disorder. Last evaluated: 2024-10-07. Review status: criteria provided, single submitter. Criteria: LabCorp Variant Classification Summary - May 2015. Collection method: clinical testing. Allele origin: germline.
Comment: Variant summary: VWF c.6539dupA (p.Tyr2180X) results in a premature termination codon, predicted to cause a truncation of the encoded protein or absence of the protein due to nonsense mediated decay, which are commonly known mechanisms for disease. The variant was absent in 250950 control chromosomes. To our knowledge, no occurrence of c.6539dupA in individuals affected with Von Willebrand Disease and no experimental evidence demonstrating its impact on protein function have been reported. No submitters have cited clinical-significance assessments for this variant to ClinVar. Based on the evidence outlined above, the variant was classified as pathogenic.